The following is an entry in ClinVar:

NM_003919.3(SGCE):c.903C>G (p.Tyr301Ter)

Genes: CASD1 (CAS1 domain containing 1; plus strand), SGCE (sarcoglycan epsilon; minus strand). Cytogenetic location: 7q21.3.
Variant type: single nucleotide variant.
Coding change: c.903C>G on transcript NM_003919.3 (MANE Select); coding-DNA position 903, C replaced by G.
Protein change: p.Tyr301Ter; replaces tyrosine 301 with a stop codon.
Molecular consequence: nonsense.
Genome position (GRCh38, 1-based): chr7:94,600,780, G>C on the plus strand (C>G on the coding strand, the complement: SGCE is on the minus strand). VCF-style: chr7-94600780-G-C. GRCh37 (hg19) VCF-style: chr7-94230092-G-C.
Other names: c.1011C>G, p.Tyr337Ter (NM_001346715.2, NM_001346713.2); c.903C>G, p.Tyr301Ter (NM_001346717.2, NM_001099400.2, NM_001099401.2); c.816C>G, p.Tyr272Ter (NM_001346719.2, NM_001362807.2); c.630C>G, p.Tyr210Ter (NM_001346720.2, NM_001362808.2); c.780C>G, p.Tyr260Ter (NM_001362809.2, NM_001301139.2); short protein forms Y210*, Y260*, Y272*, Y301*, Y337*.
Identifiers: ClinVar variation 1807452 (VCV001807452.1), dbSNP rs1322313531, ClinGen allele CA368230997.

ClinVar aggregate classification (germline): Pathogenic (1 of 4 stars; one submission).

Submission:

Athena Diagnostics
Classification: Pathogenic. Last evaluated: 2021-06-28. Review status: criteria provided, single submitter. Criteria: Athena Diagnostics Criteria. Collection method: clinical testing. Allele origin: unknown.
Comment: This variant is expected to result in the loss of a functional protein. This variant has been identified in at least one individual tested at Athena Diagnostics with clinical features associated with this gene.